The following is an entry in ClinVar:

NM_031475.3(ESPN):c.1852C>T (p.Pro618Ser)

Gene: ESPN (espin; plus strand). Cytogenetic location: 1p36.31.
Variant type: single nucleotide variant.
Coding change: c.1852C>T on transcript NM_031475.3 (MANE Select); coding-DNA position 1852, C replaced by T.
Protein change: p.Pro618Ser; replaces proline 618 with serine.
Molecular consequence: missense variant.
Genome position (GRCh38, 1-based): chr1:6,449,028, C>T. VCF-style: chr1-6449028-C-T. GRCh37 (hg19) VCF-style: chr1-6509088-C-T.
Other names: c.1762C>T, p.Pro588Ser (NM_001367473.1, NM_001367474.1); short protein forms P588S, P618S.
Identifiers: ClinVar variation 3774941 (VCV003774941.1).

ClinVar aggregate classification (germline): Uncertain significance (1 of 4 stars; one submission).

gnomAD v4.1: 1 of 1,475,948 alleles (0.000068%); highest among the groups gnomAD compares: Non-Finnish European, 0.000089%; no homozygotes.

Submission:

GeneDx
Classification: Uncertain significance. Last evaluated: 2024-09-26. Review status: criteria provided, single submitter. Criteria: GeneDx Variant Classification Process June 2021. Collection method: clinical testing. Allele origin: germline. Affected: yes.
Comment: Not observed at significant frequency in large population cohorts (gnomAD); In silico analysis supports that this missense variant has a deleterious effect on protein structure/function; Has not been previously published as pathogenic or benign to our knowledge